The following is an entry in ClinVar:

ClinVar aggregate classification (germline): Conflicting classifications of pathogenicity. Review status: criteria provided, conflicting classifications (1 of 4 stars). 2 submissions from 2 submitters: Uncertain significance (1); Likely benign (1). Last evaluated 2025-02-26.

Conditions:
Hereditary cancer-predisposing syndrome. Also called: Neoplastic Syndromes, Hereditary; Tumor predisposition; Hereditary Cancer Syndrome; Hereditary neoplastic syndrome. Identifiers: Orphanet 140162, MedGen C0027672, MeSH D009386, MONDO:0015356.

Allele frequency attached by ClinVar (database versions not stated): gnomAD exomes below 0.00001; gnomAD 0.00001.

Submissions (2):

Ambry Genetics
Classification: Likely benign for Hereditary cancer-predisposing syndrome. Last evaluated: 2025-02-26. Review status: criteria provided, single submitter. Criteria: Ambry Variant Classification Scheme 2023. Collection method: clinical testing. Allele origin: germline.

Labcorp Genetics (formerly Invitae), Labcorp
Classification: Uncertain significance. Last evaluated: 2023-12-01. Review status: criteria provided, single submitter. Criteria: Invitae Variant Classification Sherloc (09022015). Collection method: clinical testing. Allele origin: germline.
Comment: This sequence change replaces glycine, which is neutral and non-polar, with alanine, which is neutral and non-polar, at codon 55 of the HOXB13 protein (p.Gly55Ala). This variant is present in population databases (no rsID available, gnomAD 0.03%). This variant has not been reported in the literature in individuals affected with HOXB13-related conditions. An algorithm developed to predict the effect of missense changes on protein structure and function (PolyPhen-2) suggests that this variant is likely to be disruptive. In summary, the available evidence is currently insufficient to determine the role of this variant in disease. Therefore, it has been classified as a Variant of Uncertain Significance.

NM_006361.6(HOXB13):c.164G>C (p.Gly55Ala)

Gene: HOXB13 (homeobox B13; minus strand). Cytogenetic location: 17q21.32.
Variant type: single nucleotide variant.
Coding change: c.164G>C on transcript NM_006361.6 (MANE Select); coding-DNA position 164, G replaced by C.
Protein change: p.Gly55Ala; replaces glycine 55 with alanine.
Molecular consequence: missense variant.
Genome position (GRCh38, 1-based): chr17:48,728,430, C>G on the plus strand (G>C on the coding strand, the complement: HOXB13 is on the minus strand). VCF-style: chr17-48728430-C-G. GRCh37 (hg19) VCF-style: chr17-46805792-C-G.
Other names: short protein forms G55A.
Identifiers: ClinVar variation 2780088 (VCV002780088.4), dbSNP rs1488986619, ClinGen allele CA400109028.
Genomic context (GRCh38, chr17:48,728,430, plus strand): 5'-GGGGACGTCCCCTGGGGCACCCCAGGGCATGGGTGGCATTGCTTTGGCGGCTCCGCCGAG[C>G]CTGGCAGATCCAAGGGGGCATAGTTGACAGCAGGCATCAGCGTAGGCGCCGCTGGGTGGC-3'
Protein context (NP_006352.2, residues 45-65): AVNYAPLDLP[Gly55Ala]SAEPPKQCHP